The following is an entry in ClinVar:

ClinVar aggregate classification (germline): Uncertain significance (1 of 4 stars; one submission).

Allele frequency attached by ClinVar (database versions not stated): gnomAD exomes below 0.00001; TOPMed below 0.00001.

Submission:

GeneDx
Classification: Uncertain significance. Last evaluated: 2022-05-16. Review status: criteria provided, single submitter. Criteria: GeneDx Variant Classification Process June 2021. Collection method: clinical testing. Allele origin: germline. Affected: yes.
Comment: Not observed at significant frequency in large population cohorts (gnomAD); In silico analysis supports that this missense variant does not alter protein structure/function; Has not been previously published as pathogenic or benign to our knowledge

NM_001256545.2(MEGF10):c.2785A>T (p.Ser929Cys)

Gene: MEGF10 (multiple EGF like domains 10; plus strand). Cytogenetic location: 5q23.2.
Variant type: single nucleotide variant.
Coding change: c.2785A>T on transcript NM_001256545.2 (MANE Select); coding-DNA position 2785, A replaced by T.
Protein change: p.Ser929Cys; replaces serine 929 with cysteine.
Molecular consequence: missense variant.
Genome position (GRCh38, 1-based): chr5:127,447,613, A>T. VCF-style: chr5-127447613-A-T. GRCh37 (hg19) VCF-style: chr5-126783305-A-T.
Other names: c.2785A>T, p.Ser929Cys (NM_032446.3); short protein forms S929C.
Identifiers: ClinVar variation 1684117 (VCV001684117.2), dbSNP rs1561653221, ClinGen allele CA360735165.